The following is an entry in ClinVar:

NM_005751.5(AKAP9):c.509A>T (p.Glu170Val)

Gene: AKAP9 (A-kinase anchoring protein 9; plus strand). Cytogenetic location: 7q21.2.
Variant type: single nucleotide variant.
Coding change: c.509A>T on transcript NM_005751.5 (MANE Select); coding-DNA position 509, A replaced by T.
Protein change: p.Glu170Val; replaces glutamic acid 170 with valine.
Molecular consequence: missense variant.
Genome position (GRCh38, 1-based): chr7:91,992,988, A>T. VCF-style: chr7-91992988-A-T. GRCh37 (hg19) VCF-style: chr7-91622302-A-T.
Other names: c.509A>T, p.Glu170Val (NM_147185.3); short protein forms E170V.
Identifiers: ClinVar variation 571586 (VCV000571586.12), dbSNP rs539375675, ClinGen allele CA4335834.

ClinVar aggregate classification (germline): Conflicting classifications of pathogenicity. Review status: criteria provided, conflicting classifications (1 of 4 stars). 5 submissions from 5 submitters: Uncertain significance (3); Likely benign (2). Last evaluated 2023-10-14.

Conditions:
Long QT syndrome (LQTS). Identifiers: MedGen C0023976, MeSH D008133, MONDO:0002442. Disease mechanism: loss of function. Inheritance: Various modes of inheritance.
Long QT syndrome 11 (LQT11). Identifiers: Orphanet 101016, Orphanet 768, MedGen C2678483, MONDO:0012738, OMIM 611820.
Cardiovascular phenotype. Identifiers: MedGen CN230736.
Brugada syndrome. Also called: Sudden unexpected nocturnal death syndrome; Sudden unexplained nocturnal death syndrome; Sudden Unexplained Death Syndrome; Sudden Unexplained Nocturnal Death Syndrome (SUNDS). Identifiers: Orphanet 130, MedGen C1142166, MONDO:0015263.

Allele frequency attached by ClinVar (database versions not stated): gnomAD exomes below 0.00001 and 0.00003; TOPMed below 0.00001; gnomAD 0.00001; ExAC 0.00002; 1000 Genomes Project 30x 0.00016; 1000 Genomes Project 0.00020.
gnomAD v4.1: 10 of 1,614,120 alleles (0.00062%); highest among the groups gnomAD compares: East Asian, 0.02%; no homozygotes.

Submissions (5):

Labcorp Genetics (formerly Invitae), Labcorp
Classification: Uncertain significance for Long QT syndrome. Last evaluated: 2023-10-14. Review status: criteria provided, single submitter. Criteria: Invitae Variant Classification Sherloc (09022015). Collection method: clinical testing. Allele origin: germline.
Comment: This sequence change replaces glutamic acid, which is acidic and polar, with valine, which is neutral and non-polar, at codon 170 of the AKAP9 protein (p.Glu170Val). This variant is present in population databases (rs539375675, gnomAD 0.03%). This variant has not been reported in the literature in individuals affected with AKAP9-related conditions. ClinVar contains an entry for this variant (Variation ID: 571586). An algorithm developed to predict the effect of missense changes on protein structure and function (PolyPhen-2) suggests that this variant is likely to be disruptive. In summary, the available evidence is currently insufficient to determine the role of this variant in disease. Therefore, it has been classified as a Variant of Uncertain Significance.

Ambry Genetics
Classification: Likely benign for Cardiovascular phenotype. Last evaluated: 2023-09-07. Review status: criteria provided, single submitter. Criteria: Ambry Variant Classification Scheme 2023. Collection method: clinical testing. Allele origin: germline.

Blueprint Genetics
Classification: Likely benign. Last evaluated: 2022-04-29. Review status: criteria provided, single submitter. Criteria: ACMG Guidelines, 2015. Collection method: clinical testing. Allele origin: germline.

Department of Pathology and Laboratory Medicine, Sinai Health System
Classification: Uncertain significance for Brugada syndrome. Last evaluated: 2021-07-30. Review status: criteria provided, single submitter. Criteria: ACMG Guidelines, 2015. Collection method: research. Allele origin: germline.

Center for Genomics, Ann and Robert H. Lurie Children's Hospital of Chicago
Classification: Uncertain significance for Long QT syndrome 11. Last evaluated: 2021-03-30. Review status: criteria provided, single submitter. Criteria: ACMG Guidelines, 2015. Collection method: clinical testing. Allele origin: germline.
Comment: AKAP9 NM_005751.4 exon 5 p.Glu170Val (c.509A>T): This variant has not been reported in the literature but is present in 0.03% (7/18392) of East Asian alleles in the Genome Aggregation Database. This variant is present in ClinVar (Variation ID:571586). Evolutionary conservation and computational predictive tools for this variant are unclear. In summary, data on this variant is insufficient for disease classification. Therefore, the clinical significance of this variant is uncertain.